The following is an entry in ClinVar:

ClinVar aggregate classification (germline): Benign (1 of 4 stars; one submission).

Conditions:
Familial adenomatous polyposis 1 (FAP1). Also called: POLYPOSIS, ADENOMATOUS INTESTINAL; FAMILIAL ADENOMATOUS POLYPOSIS 1, ATTENUATED. Identifiers: MedGen C2713442, MONDO:0021056, OMIM 175100. Disease mechanism: loss of function.

gnomAD v4.1: 4 of 1,602,818 alleles (0.00025%); highest among the groups gnomAD compares: Non-Finnish European, 0.00034%; no homozygotes.

Submission:

Myriad Genetics, Inc.
Classification: Benign for Familial adenomatous polyposis 1. Last evaluated: 2024-04-16. Review status: criteria provided, single submitter. Criteria: Myriad Autosomal Dominant, Autosomal Recessive and X-Linked Classification Criteria (2023). Collection method: clinical testing. Allele origin: unknown.
Comment: This variant is considered benign. This variant is a silent/synonymous amino acid change and it is not expected to impact splicing.

NM_000038.6(APC):c.8445G>A (p.Lys2815=)

Gene: APC (APC regulator of Wnt signaling pathway; plus strand). Cytogenetic location: 5q22.2.
Variant type: single nucleotide variant.
Coding change: c.8445G>A on transcript NM_000038.6 (MANE Select); coding-DNA position 8445, G replaced by A.
Protein change: p.Lys2815=; no amino-acid change (lysine 2815 retained).
Molecular consequence: synonymous variant. On other transcripts: non-coding transcript variant (2).
Genome position (GRCh38, 1-based): chr5:112,844,039, G>A. VCF-style: chr5-112844039-G-A. GRCh37 (hg19) VCF-style: chr5-112179736-G-A.
Other names: c.8445G>A, p.Lys2815= (NM_001127510.3, NM_001354895.2, NM_001407450.1); c.8391G>A, p.Lys2797= (NM_001127511.3); c.8499G>A, p.Lys2833= (NM_001354896.2, NM_001407447.1, NM_001407448.1 and 1 more transcripts); c.8475G>A, p.Lys2825= (NM_001354897.2); c.8370G>A, p.Lys2790= (NM_001354898.2); c.8361G>A, p.Lys2787= (NM_001354899.2); c.8322G>A, p.Lys2774= (NM_001354900.2); c.8268G>A, p.Lys2756= (NM_001354901.2, NM_001407453.1); and 11 more.
Identifiers: ClinVar variation 3253747 (VCV003253747.1), dbSNP rs1554089157.